The following is an entry in ClinVar:

NM_014363.6(SACS):c.8848C>G (p.His2950Asp)

Gene: SACS (sacsin molecular chaperone; minus strand). Cytogenetic location: 13q12.12.
Variant type: single nucleotide variant.
Coding change: c.8848C>G on transcript NM_014363.6 (MANE Select); coding-DNA position 8848, C replaced by G.
Protein change: p.His2950Asp; replaces histidine 2950 with aspartic acid.
Molecular consequence: missense variant.
Genome position (GRCh38, 1-based): chr13:23,335,028, G>C on the plus strand (C>G on the coding strand, the complement: SACS is on the minus strand). VCF-style: chr13-23335028-G-C. GRCh37 (hg19) VCF-style: chr13-23909167-G-C.
Other names: p.His2950Asp; c.8407C>G, p.His2803Asp (NM_001278055.2); short protein forms H2803D, H2950D.
Identifiers: ClinVar variation 3380138 (VCV003380138.1).

ClinVar aggregate classification (germline): Uncertain significance (1 of 4 stars; one submission).

gnomAD v4.1: 1 of 1,613,492 alleles (0.000062%); highest among the groups gnomAD compares: Non-Finnish European, 0.000085%; no homozygotes.

Submission:

Mayo Clinic Laboratories, Mayo Clinic
Classification: Uncertain significance. Last evaluated: 2024-09-10. Review status: criteria provided, single submitter. Criteria: ACMG Guidelines, 2015. Collection method: clinical testing. Allele origin: germline. Observed: 1 variant allele.
Comment: PM2